The following is an entry in ClinVar:

ClinVar aggregate classification (germline): Uncertain significance (1 of 4 stars; one submission).

Conditions:
Hereditary cancer-predisposing syndrome. Also called: Neoplastic Syndromes, Hereditary; Tumor predisposition; Hereditary neoplastic syndrome; Hereditary Cancer Syndrome. Identifiers: Orphanet 140162, MedGen C0027672, MeSH D009386, MONDO:0015356.

Submission:

Ambry Genetics
Classification: Uncertain significance for Hereditary cancer-predisposing syndrome. Last evaluated: 2024-03-10. Review status: criteria provided, single submitter. Criteria: Ambry Variant Classification Scheme 2023. Collection method: clinical testing. Allele origin: germline.
Comment: The p.I1518L variant (also known as c.4552A>C), located in coding exon 34 of the TSC2 gene, results from an A to C substitution at nucleotide position 4552. The isoleucine at codon 1518 is replaced by leucine, an amino acid with highly similar properties. This amino acid position is conserved. In addition, the in silico prediction for this alteration is inconclusive. Based on the available evidence, the clinical significance of this alteration remains unclear.

NM_000548.5(TSC2):c.4552A>C (p.Ile1518Leu)

Gene: TSC2 (TSC complex subunit 2; plus strand). Cytogenetic location: 16p13.3.
Variant type: single nucleotide variant.
Coding change: c.4552A>C on transcript NM_000548.5 (MANE Select); coding-DNA position 4552, A replaced by C.
Protein change: p.Ile1518Leu; replaces isoleucine 1518 with leucine.
Molecular consequence: missense variant. On other transcripts: non-coding transcript variant (5).
Genome position (GRCh38, 1-based): chr16:2,085,009, A>C. VCF-style: chr16-2085009-A-C. GRCh37 (hg19) VCF-style: chr16-2135010-A-C.
Other names: c.4351A>C, p.Ile1451Leu (NM_001077183.3); c.4483A>C, p.Ile1495Leu (NM_001114382.3); c.4243A>C, p.Ile1415Leu (NM_001318827.2); c.4207A>C, p.Ile1403Leu (NM_001318829.2); c.3820A>C, p.Ile1274Leu (NM_001318831.2); c.4384A>C, p.Ile1462Leu (NM_001318832.2); c.4354A>C, p.Ile1452Leu (NM_001363528.2); c.4420A>C, p.Ile1474Leu (NM_001370404.1); and 26 more; short protein forms I1003L, I1004L, I1026L, I1027L, I1047L, I1251L, I1252L, I1274L.
Identifiers: ClinVar variation 3232170 (VCV003232170.1), dbSNP rs764903148, ClinGen allele CA394303004.